The following is an entry in ClinVar:

ClinVar aggregate classification (germline): Uncertain significance. Review status: criteria provided, multiple submitters, no conflicts (2 of 4 stars). 2 submissions from 2 submitters: Uncertain significance (2). Last evaluated 2025-05-03.

Conditions:
Cardiovascular phenotype. Identifiers: MedGen CN230736.

Submissions (2):

Ambry Genetics
Classification: Uncertain significance for Cardiovascular phenotype. Last evaluated: 2025-05-03. Review status: criteria provided, single submitter. Criteria: Ambry Variant Classification Scheme 2023. Collection method: clinical testing. Allele origin: germline.
Comment: The p.D176G variant (also known as c.527A>G), located in coding exon 3 of the TBX20 gene, results from an A to G substitution at nucleotide position 527. The aspartic acid at codon 176 is replaced by glycine, an amino acid with similar properties. This amino acid position is conserved. In addition, this alteration is predicted to be deleterious by in silico analysis. Based on the available evidence, the clinical significance of this variant remains unclear.

Labcorp Genetics (formerly Invitae), Labcorp
Classification: Uncertain significance. Last evaluated: 2023-12-22. Review status: criteria provided, single submitter. Criteria: Invitae Variant Classification Sherloc (09022015). Collection method: clinical testing. Allele origin: germline.
Comment: This sequence change replaces aspartic acid, which is acidic and polar, with glycine, which is neutral and non-polar, at codon 176 of the TBX20 protein (p.Asp176Gly). This variant is not present in population databases (gnomAD no frequency). This variant has not been reported in the literature in individuals affected with TBX20-related conditions. Advanced modeling of protein sequence and biophysical properties (such as structural, functional, and spatial information, amino acid conservation, physicochemical variation, residue mobility, and thermodynamic stability) performed at Invitae indicates that this missense variant is expected to disrupt TBX20 protein function with a positive predictive value of 80%. In summary, the available evidence is currently insufficient to determine the role of this variant in disease. Therefore, it has been classified as a Variant of Uncertain Significance.

NM_001077653.2(TBX20):c.527A>G (p.Asp176Gly)

Gene: TBX20 (T-box transcription factor 20; minus strand). Cytogenetic location: 7p14.2.
Variant type: single nucleotide variant.
Coding change: c.527A>G on transcript NM_001077653.2 (MANE Select); coding-DNA position 527, A replaced by G.
Protein change: p.Asp176Gly; replaces aspartic acid 176 with glycine.
Molecular consequence: missense variant.
Genome position (GRCh38, 1-based): chr7:35,248,695, T>C on the plus strand (A>G on the coding strand, the complement: TBX20 is on the minus strand). VCF-style: chr7-35248695-T-C. GRCh37 (hg19) VCF-style: chr7-35288307-T-C.
Other names: c.527A>G, p.Asp176Gly (NM_001166220.1); short protein forms D176G.
Identifiers: ClinVar variation 2805274 (VCV002805274.4), dbSNP rs201782046, ClinGen allele CA367264554.